The following is an entry in ClinVar:

NM_020822.3(KCNT1):c.3006G>A (p.Pro1002=)

Gene: KCNT1 (potassium sodium-activated channel subfamily T member 1; plus strand). Cytogenetic location: 9q34.3.
Variant type: single nucleotide variant.
Coding change: c.3006G>A on transcript NM_020822.3 (MANE Select); coding-DNA position 3006, G replaced by A.
Protein change: p.Pro1002=; no amino-acid change (proline 1002 retained).
Molecular consequence: synonymous variant.
Genome position (GRCh38, 1-based): chr9:135,784,597, G>A. VCF-style: chr9-135784597-G-A. GRCh37 (hg19) VCF-style: chr9-138676443-G-A.
Other names: c.2871G>A, p.Pro957= (NM_001272003.2).
Identifiers: ClinVar variation 241303 (VCV000241303.15), dbSNP rs377162900, ClinGen allele CA5327560.

ClinVar aggregate classification (germline): Benign/Likely benign. Review status: criteria provided, multiple submitters, no conflicts (2 of 4 stars). 3 submissions from 3 submitters: Benign (1); Likely benign (2). Last evaluated 2026-04-01.

Conditions:
Developmental and epileptic encephalopathy, 14 (DEE14). Also called: Early infantile epileptic encephalopathy 14. Identifiers: Orphanet 293181, MedGen C3554195, MONDO:0013989, OMIM 614959.
Autosomal dominant nocturnal frontal lobe epilepsy 5. Also called: Epilepsy, nocturnal frontal lobe, 5; KCNT1-Related Epilepsy; CILIARY DYSKINESIA, PRIMARY, 28, WITHOUT SITUS INVERSUS; CILIARY DYSKINESIA, PRIMARY, 28, WITH SITUS INVERSUS. Identifiers: Orphanet 98784, MedGen C3554306, MONDO:0014002, OMIM 615005.

Allele frequency attached by ClinVar (database versions not stated): gnomAD 0.00004 and 0.00011; TOPMed 0.00006; ESP Exome Variant Server 0.00008; gnomAD exomes 0.00012 and 0.00024; ExAC 0.00038; 1000 Genomes Project 30x 0.00109; 1000 Genomes Project 0.00120.
gnomAD v4.1: 188 of 1,605,462 alleles (0.012%); highest among the groups gnomAD compares: South Asian, 0.16%; 3 homozygotes.

Submissions (3):

CeGaT Center for Human Genetics Tuebingen
Classification: Likely benign. Last evaluated: 2026-04-01. Review status: criteria provided, single submitter. Criteria: CeGaT Center For Human Genetics Tuebingen Variant Classification Criteria Version 2. Collection method: clinical testing. Allele origin: germline. Affected: yes. Observed: 1 variant allele.
Comment: KCNT1: BP4, BP7

Labcorp Genetics (formerly Invitae), Labcorp
Classification: Benign for Autosomal dominant nocturnal frontal lobe epilepsy 5; Developmental and epileptic encephalopathy, 14. Last evaluated: 2026-01-29. Review status: criteria provided, single submitter. Criteria: Invitae Variant Classification Sherloc (09022015). Collection method: clinical testing. Allele origin: germline.

Blueprint Genetics
Classification: Likely benign. Last evaluated: 2024-11-07. Review status: criteria provided, single submitter. Criteria: ACMG Guidelines, 2015. Collection method: clinical testing. Allele origin: germline.